The following is an entry in ClinVar:

ClinVar aggregate classification (germline): Uncertain significance (1 of 4 stars; one submission).

Conditions:
TMEM63A-related disorder. Also called: TMEM63A-related condition.

gnomAD v4.1: 1 of 1,613,518 alleles (0.000062%); highest among the groups gnomAD compares: Non-Finnish European, 0.000085%; no homozygotes.

Submission:

PreventionGenetics, part of Exact Sciences
Classification: Uncertain significance for TMEM63A-related condition. Last evaluated: 2025-08-28. Review status: criteria provided, single submitter. Criteria: ACMG Guidelines, 2015. Collection method: clinical testing. Allele origin: germline.
Comment: The TMEM63A c.14C>G variant is predicted to result in the amino acid substitution p.Pro5Arg. To our knowledge, this variant has not been reported in the literature or in gnomAD, indicating this variant is rare. At this time, the clinical significance of this variant is uncertain due to the absence of conclusive functional and genetic evidence.

NM_014698.3(TMEM63A):c.14C>G (p.Pro5Arg)

Gene: TMEM63A (transmembrane protein 63A; minus strand). Cytogenetic location: 1q42.12.
Variant type: single nucleotide variant.
Coding change: c.14C>G on transcript NM_014698.3 (MANE Select); coding-DNA position 14, C replaced by G.
Protein change: p.Pro5Arg; replaces proline 5 with arginine.
Molecular consequence: missense variant.
Genome position (GRCh38, 1-based): chr1:225,877,567, G>C on the plus strand (C>G on the coding strand, the complement: TMEM63A is on the minus strand). VCF-style: chr1-225877567-G-C. GRCh37 (hg19) VCF-style: chr1-226065267-G-C.
Other names: short protein forms P5R.
Identifiers: ClinVar variation 2629815 (VCV002629815.2), dbSNP rs756105944, ClinGen allele CA345025262.